The following is an entry in ClinVar:

ClinVar aggregate classification (germline): Benign (1 of 4 stars; one submission).

Conditions:
Ellis-van Creveld syndrome (EVC). Also called: EVC-Related Ellis-van Creveld Syndrome; EVC2-Related Ellis-van Creveld Syndrome; MESOECTODERMAL DYSPLASIA; Chondroectodermal dysplasia. Identifiers: Orphanet 289, MedGen C0013903, MONDO:0009162, OMIM 225500.

Allele frequency attached by ClinVar (database versions not stated): gnomAD exomes 0.00028; gnomAD 0.01482 and 0.01604; 1000 Genomes Project 0.01697; 1000 Genomes Project 30x 0.01702; TOPMed 0.01741.
gnomAD v4.1: 2,234 of 163,364 alleles (1.4%); highest among the groups gnomAD compares: African/African-American, 5%; 54 homozygotes.

Submission:

Illumina Laboratory Services, Illumina
Classification: Benign for Ellis-van Creveld syndrome. Last evaluated: 2018-01-13. Review status: criteria provided, single submitter. Criteria: ICSL Variant Classification Criteria 13 December 2019. Collection method: clinical testing. Allele origin: germline.
Comment: This variant was observed in the ICSL laboratory as part of a predisposition screen in an ostensibly healthy population. It had not been previously curated by ICSL or reported in the Human Gene Mutation Database (HGMD: prior to June 1st, 2018), and was therefore a candidate for classification through an automated scoring system. Utilizing variant allele frequency, disease prevalence and penetrance estimates, and inheritance mode, an automated score was calculated to assess if this variant is too frequent to cause the disease. Based on the score and internal cut-off values, a variant classified as benign is not then subjected to further curation. The score for this variant resulted in a classification of benign for this disease.

NM_153717.3(EVC):c.*615C>T

Gene: EVC (EvC ciliary complex subunit 1; plus strand). Cytogenetic location: 4p16.2.
Variant type: single nucleotide variant.
Coding change: c.*615C>T on transcript NM_153717.3 (MANE Select); 615 bases downstream of the stop codon, C replaced by T.
Molecular consequence: 3 prime UTR variant.
Genome position (GRCh38, 1-based): chr4:5,811,652, C>T. VCF-style: chr4-5811652-C-T. GRCh37 (hg19) VCF-style: chr4-5813379-C-T.
Other names: c.*615C>T (NM_001306090.2).
Identifiers: ClinVar variation 349226 (VCV000349226.5), dbSNP rs73079505, ClinGen allele CA10618962.